The following is an entry in ClinVar:

ClinVar aggregate classification (germline): Likely benign (0 of 4 stars; one submission).

Conditions:
DMBT1-related disorder. Also called: DMBT1-related condition.

Allele frequency attached by ClinVar (database versions not stated): TOPMed 0.00008; gnomAD 0.00009; gnomAD exomes 0.00012; ExAC 0.00007.
gnomAD v4.1: 183 of 1,588,040 alleles (0.012%); highest among the groups gnomAD compares: Non-Finnish European, 0.014%; 17 homozygotes.

Submission:

PreventionGenetics, part of Exact Sciences
Classification: Likely benign for DMBT1-related condition. Last evaluated: 2019-03-07. Review status: no assertion criteria provided. Collection method: clinical testing. Allele origin: germline.
Comment: This variant is classified as likely benign based on ACMG/AMP sequence variant interpretation guidelines (Richards et al. 2015 PMID: 25741868, with internal and published modifications).

NM_001377530.1(DMBT1):c.2238A>G (p.Val746=)

Gene: DMBT1 (deleted in malignant brain tumors 1; plus strand). Cytogenetic location: 10q26.13.
Variant type: single nucleotide variant.
Coding change: c.2238A>G on transcript NM_001377530.1 (MANE Select); coding-DNA position 2238, A replaced by G.
Protein change: p.Val746=; no amino-acid change (valine 746 retained).
Molecular consequence: synonymous variant. On other transcripts: intron variant (1).
Genome position (GRCh38, 1-based): chr10:122,592,333, A>G. VCF-style: chr10-122592333-A-G. GRCh37 (hg19) VCF-style: chr10-124351849-A-G.
Other names: c.2238A>G, p.Val746= (NM_001320644.2, NM_007329.3); c.2208A>G, p.Val736= (NM_017579.3); c.1421-5641A>G (NM_004406.3).
Identifiers: ClinVar variation 3033297 (VCV003033297.2), dbSNP rs199506530, ClinGen allele CA5727107.
Genomic context (GRCh38, chr10:122,592,333, plus strand): 5'-ATCTGAATCCAGTTTGACCCTGAGGCTGGTGAATGGAAGTGACAGGTGTCAGGGCCGAGT[A>G]GAGGTCCTATACCGAGGCTCCTGGGGCACCGTGTGTGATGACAGCTGGGATACCAATGAT-3'
Protein context (NP_001364459.1, residues 736-756): VNGSDRCQGR[Val746=]EVLYRGSWGT